The following is an entry in ClinVar:

ClinVar aggregate classification (germline): Uncertain significance (1 of 4 stars; one submission).

Conditions:
ALG12-congenital disorder of glycosylation (CDG1G). Also called: CDG Ig; ALG12-CDG; Congenital disorder of glycosylation, type Ig. Identifiers: Orphanet 79324, MedGen C2931001, MONDO:0011783, OMIM 607143.

Submission:

Labcorp Genetics (formerly Invitae), Labcorp
Classification: Uncertain significance for ALG12-congenital disorder of glycosylation. Last evaluated: 2022-07-11. Review status: criteria provided, single submitter. Criteria: Invitae Variant Classification Sherloc (09022015). Collection method: clinical testing. Allele origin: germline.
Comment: In summary, the available evidence is currently insufficient to determine the role of this variant in disease. Therefore, it has been classified as a Variant of Uncertain Significance. Algorithms developed to predict the effect of missense changes on protein structure and function are either unavailable or do not agree on the potential impact of this missense change (SIFT: "Deleterious"; PolyPhen-2: "Probably Damaging"; Align-GVGD: "Class C0"). This variant has not been reported in the literature in individuals affected with ALG12-related conditions. This variant is not present in population databases (gnomAD no frequency). This sequence change replaces valine, which is neutral and non-polar, with methionine, which is neutral and non-polar, at codon 126 of the ALG12 protein (p.Val126Met).

NM_024105.4(ALG12):c.376G>A (p.Val126Met)

Gene: ALG12 (ALG12 alpha-1,6-mannosyltransferase; minus strand). Cytogenetic location: 22q13.33.
Variant type: single nucleotide variant.
Coding change: c.376G>A on transcript NM_024105.4 (MANE Select); coding-DNA position 376, G replaced by A.
Protein change: p.Val126Met; replaces valine 126 with methionine.
Molecular consequence: missense variant.
Genome position (GRCh38, 1-based): chr22:49,910,527, C>T on the plus strand (G>A on the coding strand, the complement: ALG12 is on the minus strand). VCF-style: chr22-49910527-C-T. GRCh37 (hg19) VCF-style: chr22-50304175-C-T.
Other names: short protein forms V126M.
Identifiers: ClinVar variation 1935553 (VCV001935553.5), dbSNP rs902725543, ClinGen allele CA412078238.